The following is an entry in ClinVar:

NM_000350.3(ABCA4):c.3071T>A (p.Met1024Lys)

Gene: ABCA4 (ATP binding cassette subfamily A member 4; minus strand). Cytogenetic location: 1p22.1.
Variant type: single nucleotide variant.
Coding change: c.3071T>A on transcript NM_000350.3 (MANE Select); coding-DNA position 3071, T replaced by A.
Protein change: p.Met1024Lys; replaces methionine 1024 with lysine.
Molecular consequence: missense variant.
Genome position (GRCh38, 1-based): chr1:94,043,455, A>T on the plus strand (T>A on the coding strand, the complement: ABCA4 is on the minus strand). VCF-style: chr1-94043455-A-T. GRCh37 (hg19) VCF-style: chr1-94509011-A-T.
Other names: c.2849T>A, p.Met950Lys (NM_001425324.1); short protein forms M1024K, M950K.
Identifiers: ClinVar variation 1376015 (VCV001376015.6), dbSNP rs2101051584, ClinGen allele CA341292677.

ClinVar aggregate classification (germline): Uncertain significance (1 of 4 stars; one submission).

Submission:

Labcorp Genetics (formerly Invitae), Labcorp
Classification: Uncertain significance. Last evaluated: 2021-08-18. Review status: criteria provided, single submitter. Criteria: Invitae Variant Classification Sherloc (09022015). Collection method: clinical testing. Allele origin: germline.
Comment: This sequence change replaces methionine with lysine at codon 1024 of the ABCA4 protein (p.Met1024Lys). The methionine residue is weakly conserved and there is a moderate physicochemical difference between methionine and lysine. This variant is not present in population databases (ExAC no frequency). This missense change has been observed in individual(s) with Stargardt disease (Invitae). Advanced modeling of protein sequence and biophysical properties (such as structural, functional, and spatial information, amino acid conservation, physicochemical variation, residue mobility, and thermodynamic stability) performed at Invitae indicates that this missense variant is expected to disrupt ABCA4 protein function. This variant disrupts the p.Met1024 amino acid residue in ABCA4. Other variant(s) that disrupt this residue have been observed in individuals with ABCA4-related conditions (PMID: 25474345), which suggests that this may be a clinically significant amino acid residue. In summary, the available evidence is currently insufficient to determine the role of this variant in disease. Therefore, it has been classified as a Variant of Uncertain Significance.

Literature cited by the submitters: PubMed 25474345.